The following is an entry in ClinVar:

ClinVar aggregate classification (germline): Uncertain significance (1 of 4 stars; one submission).

Conditions:
Hereditary nonpolyposis colorectal neoplasms. Identifiers: MedGen C0009405, MeSH D003123.

Submission:

Labcorp Genetics (formerly Invitae), Labcorp
Classification: Uncertain significance for Hereditary nonpolyposis colorectal neoplasms. Last evaluated: 2021-05-01. Review status: criteria provided, single submitter. Criteria: Invitae Variant Classification Sherloc (09022015). Collection method: clinical testing. Allele origin: germline.
Comment: In summary, the available evidence is currently insufficient to determine the role of this variant in disease. Therefore, it has been classified as a Variant of Uncertain Significance. Advanced modeling of protein sequence and biophysical properties (such as structural, functional, and spatial information, amino acid conservation, physicochemical variation, residue mobility, and thermodynamic stability) performed at Invitae indicates that this missense variant is not expected to disrupt PMS2 protein function. This variant has not been reported in the literature in individuals with PMS2-related conditions. This variant is not present in population databases (ExAC no frequency). This sequence change replaces serine with asparagine at codon 516 of the PMS2 protein (p.Ser516Asn). The serine residue is weakly conserved and there is a small physicochemical difference between serine and asparagine.

NM_000535.7(PMS2):c.1547G>A (p.Ser516Asn)

Gene: PMS2 (PMS1 homolog 2, mismatch repair system component; minus strand). Cytogenetic location: 7p22.1.
Variant type: single nucleotide variant.
Coding change: c.1547G>A on transcript NM_000535.7 (MANE Select); coding-DNA position 1547, G replaced by A.
Protein change: p.Ser516Asn; replaces serine 516 with asparagine.
Molecular consequence: missense variant. On other transcripts: non-coding transcript variant (1).
Genome position (GRCh38, 1-based): chr7:5,987,218, C>T on the plus strand (G>A on the coding strand, the complement: PMS2 is on the minus strand). VCF-style: chr7-5987218-C-T. GRCh37 (hg19) VCF-style: chr7-6026849-C-T.
Other names: c.1142G>A, p.Ser381Asn (NM_001322003.2, NM_001322004.2, NM_001322005.2 and 1 more transcripts); c.1391G>A, p.Ser464Asn (NM_001322006.2); c.1229G>A, p.Ser410Asn (NM_001322007.2, NM_001322008.2); c.986G>A, p.Ser329Asn (NM_001322010.2); c.614G>A, p.Ser205Asn (NM_001322011.2, NM_001322012.2); c.974G>A, p.Ser325Asn (NM_001322013.2); c.1547G>A, p.Ser516Asn (NM_001322014.2); c.1238G>A, p.Ser413Asn (NM_001322015.2); short protein forms S205N, S413N, S325N, S329N, S516N, S381N, S410N, S464N.
Identifiers: ClinVar variation 1392333 (VCV001392333.8), dbSNP rs2128728322, ClinGen allele CA366741616.
Genomic context (GRCh38, chr7:5,987,218, plus strand): 5'-TGAGAGTCCACATGTTCCTGCGAGCCCCTGTCCCCTGGGGAGCTGGCCGCATACTCGCTG[C>T]TGCAGTGACTGCCCGTGTCTGGGATGCTGAACCCCTCAGAATCCACGGAAGTGCTGCCGT-3'
Protein context (NP_000526.2, residues 506-526): FSIPDTGSHC[Ser516Asn]SEYAASSPGD